The following is an entry in ClinVar:

ClinVar aggregate classification (somatic clinical impact): Tier II - Potential (1 of 4 stars; one submission).

Conditions:
Medulloblastoma WNT activated. Identifiers: MedGen C4331965, MONDO:0850196.

Submission:

Institute for Genomic Medicine (IGM) Clinical Laboratory, Nationwide Children's Hospital
Classification: Tier II - Potential for Medulloblastoma WNT activated. Assertion type: diagnostic. Clinical significance: supports diagnosis. Last evaluated: 2022-10-05. Review status: criteria provided, single submitter. Criteria: AMP/ASCO/CAP Guidelines, 2017. Collection method: clinical testing. Allele origin: somatic. Affected: yes.
Comment: Variant has Tier II (potential) clinical significance as a diagnostic inclusion criterion in medulloblastoma WNT activated, based on the following evidence: 1) Information in the literature supports potential biologic effect of variant. 2) Diagnostic significance based on multiple small studies (Evidence Level C; PMIDs: 21163964, 22820256, 22832583, 22722829, 28726821).

Literature cited by the submitters: PubMed 21163964; PubMed 22820256; PubMed 22832583; PubMed 22722829; PubMed 28726821.

NM_000264.5(PTCH1):c.2796_2800dup (p.Tyr934fs)

Gene: PTCH1 (patched 1; minus strand). Cytogenetic location: 9q22.32.
Variant type: Duplication.
Coding change: c.2796_2800dup on transcript NM_000264.5 (MANE Select); coding-DNA positions 2796 to 2800, 5 bases duplicated (CGCGT; older notation c.2796_2800dupCGCGT).
Protein change: p.Tyr934fs; shifts the reading frame from tyrosine 934.
Molecular consequence: frameshift variant. On other transcripts: non-coding transcript variant (1).
Genome position (GRCh38, 1-based): chr9:95,459,687-95,459,691, ACGCG duplicated on the plus strand (CGCGT on the coding strand, the reverse complement: PTCH1 is on the minus strand); duplicating any 5 consecutive bases within chr9:95,459,687-95,459,694 gives the same sequence; the c. name uses the placement nearest the transcript's 3' end. VCF-style (leftmost placement, unchanged base first): chr9-95459686-T-TACGCG. GRCh37 (hg19) VCF-style: chr9-98221968-T-TACGCG.
Other names: c.2598_2602dup, p.Tyr868fs (NM_001083602.3); c.2793_2797dup, p.Tyr933fs (NM_001083603.3); c.2343_2347dup, p.Tyr783fs (NM_001083604.3, NM_001083605.3, NM_001083606.3 and 1 more transcripts); c.2640_2644dup, p.Tyr882fs (NM_001354918.2); short protein forms Y783fs, Y868fs, Y882fs, Y933fs, Y934fs.
Identifiers: ClinVar variation 4530397 (VCV004530397.1).